The following is an entry in ClinVar:

ClinVar aggregate classification (germline): Pathogenic (1 of 4 stars; one submission).

Conditions:
Ataxia-telangiectasia syndrome (AT). Also called: LOUIS-BAR SYNDROME; Ataxia-telangiectasia, complementation group D; AT, COMPLEMENTATION GROUP C; Cerebello-oculocutaneous telangiectasia; Immunodeficiency with ataxia telangiectasia; ATAXIA-TELANGIECTASIA, COMPLEMENTATION GROUP A. Identifiers: Orphanet 100, MedGen C0004135, MONDO:0008840, OMIM 208900.

Submission:

Labcorp Genetics (formerly Invitae), Labcorp
Classification: Pathogenic for Ataxia-telangiectasia syndrome. Last evaluated: 2020-07-30. Review status: criteria provided, single submitter. Criteria: Invitae Variant Classification Sherloc (09022015). Collection method: clinical testing. Allele origin: germline.
Comment: This variant has not been reported in the literature in individuals with ATM-related conditions. For these reasons, this variant has been classified as Pathogenic. Loss-of-function variants in ATM are known to be pathogenic (PMID: 23807571, 25614872). This variant is not present in population databases (ExAC no frequency). This sequence change creates a premature translational stop signal (p.Ala1175Profs*6) in the ATM gene. It is expected to result in an absent or disrupted protein product.

Literature cited by the submitters: PubMed 23807571; PubMed 25614872.

NM_000051.4(ATM):c.3523del (p.Ala1175fs)

Gene: ATM (ATM serine/threonine kinase; plus strand). Cytogenetic location: 11q22.3.
Variant type: Deletion.
Coding change: c.3523del on transcript NM_000051.4 (MANE Select); coding-DNA position 3523, one base deleted (G; older notation c.3523delG).
Protein change: p.Ala1175fs; shifts the reading frame from alanine 1175.
Molecular consequence: frameshift variant.
Genome position (GRCh38, 1-based): chr11:108,281,115, G deleted. VCF-style (leftmost placement, unchanged base first): chr11-108281114-TG-T. GRCh37 (hg19) VCF-style: chr11-108151841-TG-T.
Other names: c.3523del, p.Ala1175fs (NM_001351834.2); short protein forms A1175fs.
Identifiers: ClinVar variation 1071141 (VCV001071141.7), dbSNP rs2135669053, ClinGen allele CA2499220616.